The following is an entry in ClinVar:

ClinVar aggregate classification (germline): Uncertain significance. Review status: criteria provided, multiple submitters, no conflicts (2 of 4 stars). 2 submissions from 2 submitters: Uncertain significance (2). Last evaluated 2023-09-22.

Conditions:
Epileptic encephalopathy. Identifiers: MedGen C0543888, HP:0200134.

Allele frequency attached by ClinVar (database versions not stated): gnomAD 0.00001; TOPMed 0.00001.
gnomAD v4.1: 15 of 1,610,642 alleles (0.00093%); highest among the groups gnomAD compares: East Asian, 0.0022%; no homozygotes.

Submissions (2):

Ambry Genetics
Classification: Uncertain significance. Last evaluated: 2023-09-22. Review status: criteria provided, single submitter. Criteria: Ambry Variant Classification Scheme 2023. Collection method: clinical testing. Allele origin: germline.

Labcorp Genetics (formerly Invitae), Labcorp
Classification: Uncertain significance for Epileptic encephalopathy. Last evaluated: 2017-10-30. Review status: criteria provided, single submitter. Criteria: Invitae Variant Classification Sherloc (09022015). Collection method: clinical testing. Allele origin: germline.
Comment: This sequence change replaces threonine with methionine at codon 1565 of the FASN protein (p.Thr1565Met). The threonine residue is weakly conserved and there is a moderate physicochemical difference between threonine and methionine. This variant is not present in population databases (ExAC no frequency). This variant has not been reported in the literature in individuals with FASN-related disease. Algorithms developed to predict the effect of missense changes on protein structure and function do not agree on the potential impact of this missense change (SIFT: "Tolerated"; PolyPhen-2: "Possibly Damaging"; Align-GVGD: "Class C0"). In summary, the available evidence is currently insufficient to determine the role of this variant in disease. Therefore, it has been classified as a Variant of Uncertain Significance.

NM_004104.5(FASN):c.4694C>T (p.Thr1565Met)

Gene: FASN (fatty acid synthase; minus strand). Cytogenetic location: 17q25.3.
Variant type: single nucleotide variant.
Coding change: c.4694C>T on transcript NM_004104.5 (MANE Select); coding-DNA position 4694, C replaced by T.
Protein change: p.Thr1565Met; replaces threonine 1565 with methionine.
Molecular consequence: missense variant.
Genome position (GRCh38, 1-based): chr17:82,084,587, G>A on the plus strand (C>T on the coding strand, the complement: FASN is on the minus strand). VCF-style: chr17-82084587-G-A. GRCh37 (hg19) VCF-style: chr17-80042463-G-A.
Other names: short protein forms T1565M.
Identifiers: ClinVar variation 531000 (VCV000531000.2), dbSNP rs1294023345, ClinGen allele CA401544823.